The following is an entry in ClinVar:

ClinVar aggregate classification (germline): Likely benign (1 of 4 stars; one submission).

Allele frequency attached by ClinVar (database versions not stated): gnomAD exomes below 0.00001; gnomAD 0.00001; TOPMed 0.00001.
gnomAD v4.1: 2 of 1,552,372 alleles (0.00013%); highest among the groups gnomAD compares: African/African-American, 0.0027%; no homozygotes.

Submission:

Laboratory for Molecular Medicine, Mass General Brigham Personalized Medicine
Classification: Likely benign. Last evaluated: 2019-05-22. Review status: criteria provided, single submitter. Criteria: LMM Criteria. Collection method: clinical testing. Allele origin: germline. Observed: 1 variant allele.
Comment: The p.Val911Val variant in MYH14 is classified as likely benign because it does not alter an amino acid residue, it is not located within the splice consensus sequence, and splice prediction algorithms do not predict a newly created splice site. ACMG/AMP Criteria applied: BP4, BP7.

NM_001145809.2(MYH14):c.2733G>A (p.Val911=)

Gene: MYH14 (myosin heavy chain 14; plus strand). Cytogenetic location: 19q13.33.
Variant type: single nucleotide variant.
Coding change: c.2733G>A on transcript NM_001145809.2 (MANE Select); coding-DNA position 2733, G replaced by A.
Protein change: p.Val911=; no amino-acid change (valine 911 retained).
Molecular consequence: synonymous variant.
Genome position (GRCh38, 1-based): chr19:50,266,915, G>A. VCF-style: chr19-50266915-G-A. GRCh37 (hg19) VCF-style: chr19-50770172-G-A.
Other names: c.2634G>A, p.Val878= (NM_001077186.2); c.2610G>A, p.Val870= (NM_024729.4).
Identifiers: ClinVar variation 930042 (VCV000930042.4), dbSNP rs1330663203, ClinGen allele CA508175849.